The following is an entry in ClinVar:

ClinVar aggregate classification (germline): Conflicting classifications of pathogenicity. Review status: criteria provided, conflicting classifications (1 of 4 stars). 2 submissions from 2 submitters: Uncertain significance (1); Likely benign (1). Last evaluated 2023-03-23.

Conditions:
Hereditary cancer-predisposing syndrome. Also called: Neoplastic Syndromes, Hereditary; Tumor predisposition; Hereditary Cancer Syndrome; Hereditary neoplastic syndrome. Identifiers: Orphanet 140162, MedGen C0027672, MeSH D009386, MONDO:0015356.

Submissions (2):

University of Washington Department of Laboratory Medicine, University of Washington
Classification: Likely benign for Hereditary cancer-predisposing syndrome. Last evaluated: 2023-03-23. Review status: criteria provided, single submitter. Criteria: Dines et al. (Genet Med. 2020). Collection method: curation. Allele origin: germline.
Comment: Missense variant in a coldspot region where missense variants are very unlikely to be pathogenic (PMID:31911673).

BRCA2 exon 11 coldspot. Reclassification based on statistical prior probability.

Ambry Genetics
Classification: Uncertain significance for Hereditary cancer-predisposing syndrome. Last evaluated: 2020-11-06. Review status: criteria provided, single submitter. Criteria: Ambry Variant Classification Scheme 2023. Collection method: clinical testing. Allele origin: germline.
Comment: The p.V2228G variant (also known as c.6683T>G), located in coding exon 10 of the BRCA2 gene, results from a T to G substitution at nucleotide position 6683. The valine at codon 2228 is replaced by glycine, an amino acid with dissimilar properties. This amino acid position is not well conserved in available vertebrate species. In addition, this alteration is predicted to be deleterious by in silico analysis. Since supporting evidence is limited at this time, the clinical significance of this alteration remains unclear.

NM_000059.4(BRCA2):c.6683T>G (p.Val2228Gly)

Gene: BRCA2 (BRCA2 DNA repair associated; plus strand). Cytogenetic location: 13q13.1.
Variant type: single nucleotide variant.
Coding change: c.6683T>G on transcript NM_000059.4 (MANE Select); coding-DNA position 6683, T replaced by G.
Protein change: p.Val2228Gly; replaces valine 2228 with glycine.
Molecular consequence: missense variant.
Genome position (GRCh38, 1-based): chr13:32,341,038, T>G. VCF-style: chr13-32341038-T-G. GRCh37 (hg19) VCF-style: chr13-32915175-T-G.
Other names: c.6683T>G, p.Val2228Gly (NM_001406719.1, NM_001406720.1); short protein forms V2228G.
Identifiers: ClinVar variation 1754866 (VCV001754866.4), dbSNP rs80358894, ClinGen allele CA387790572.
Genomic context (GRCh38, chr13:32,341,038, plus strand): 5'-ATATAGAAGTTTGTTCTACTTACTCCAAAGATTCAGAAAACTACTTTGAAACAGAAGCAG[T>G]AGAAATTGCTAAAGCTTTTATGGAAGATGATGAACTGACAGATTCTAAACTGCCAAGTCA-3'
Protein context (NP_000050.3, residues 2218-2238): DSENYFETEA[Val2228Gly]EIAKAFMEDD